The following is an entry in ClinVar:

NM_001035.3(RYR2):c.12214A>C (p.Thr4072Pro)

Gene: RYR2 (ryanodine receptor 2; plus strand). Cytogenetic location: 1q43.
Variant type: single nucleotide variant.
Coding change: c.12214A>C on transcript NM_001035.3 (MANE Select); coding-DNA position 12214, A replaced by C.
Protein change: p.Thr4072Pro; replaces threonine 4072 with proline.
Molecular consequence: missense variant.
Genome position (GRCh38, 1-based): chr1:237,783,926, A>C. VCF-style: chr1-237783926-A-C. GRCh37 (hg19) VCF-style: chr1-237947226-A-C.
Other names: c.12214A>C, p.Thr4072Pro (LRG_402t1); short protein forms T4072P.
Identifiers: ClinVar variation 566290 (VCV000566290.10), dbSNP rs1558404448, ClinGen allele CA345412612.

ClinVar aggregate classification (germline): Uncertain significance (1 of 4 stars; one submission).

Conditions:
Catecholaminergic polymorphic ventricular tachycardia 1. Also called: RYR2-Related Catecholaminergic Polymorphic Ventricular Tachycardia; VENTRICULAR TACHYCARDIA, CATECHOLAMINERGIC POLYMORPHIC, 1, WITH OR WITHOUT ATRIAL DYSFUNCTION AND/OR DILATED CARDIOMYOPATHY; VENTRICULAR TACHYCARDIA, STRESS-INDUCED POLYMORPHIC 1. Identifiers: Orphanet 3286, MedGen C1631597, MONDO:0011484, OMIM 604772.

Submission:

Labcorp Genetics (formerly Invitae), Labcorp
Classification: Uncertain significance for Catecholaminergic polymorphic ventricular tachycardia 1. Last evaluated: 2024-11-04. Review status: criteria provided, single submitter. Criteria: Invitae Variant Classification Sherloc (09022015). Collection method: clinical testing. Allele origin: germline.
Comment: This sequence change replaces threonine, which is neutral and polar, with proline, which is neutral and non-polar, at codon 4072 of the RYR2 protein (p.Thr4072Pro). This variant is not present in population databases (gnomAD no frequency). This variant has not been reported in the literature in individuals affected with RYR2-related conditions. ClinVar contains an entry for this variant (Variation ID: 566290). Invitae Evidence Modeling of protein sequence and biophysical properties (such as structural, functional, and spatial information, amino acid conservation, physicochemical variation, residue mobility, and thermodynamic stability) indicates that this missense variant is not expected to disrupt RYR2 protein function with a negative predictive value of 95%. In summary, the available evidence is currently insufficient to determine the role of this variant in disease. Therefore, it has been classified as a Variant of Uncertain Significance.